The following is an entry in ClinVar:

ClinVar aggregate classification (germline): Likely pathogenic. Review status: criteria provided, multiple submitters, no conflicts (2 of 4 stars). 2 submissions from 2 submitters: Likely pathogenic (2). Last evaluated 2023-07-22.

Conditions:
Rienhoff syndrome. Also called: LOEYS-DIETZ SYNDROME 5. Identifiers: MedGen C3810012, MONDO:0014262, OMIM 615582.
Arrhythmogenic right ventricular dysplasia 1. Identifiers: Orphanet 3403, MedGen C1862511, MONDO:0007152, OMIM 107970.

Submissions (2):

Neuberg Centre For Genomic Medicine, NCGM
Classification: Likely pathogenic for Arrhythmogenic right ventricular dysplasia 1. Last evaluated: 2023-07-22. Review status: criteria provided, single submitter. Criteria: ACMG Guidelines, 2015. Collection method: clinical testing. Allele origin: germline. Inheritance: Autosomal dominant inheritance. Affected: yes.
Comment: The observed splice site variant c.517-2A>G in TGFB3 gene has not been reported previously as a pathogenic variant nor as a benign variant, to our knowledge. This variant is absent in gnomAD Exomes. It has been submitted to ClinVar as Likely Pathogenic. This variant is predicted to be damaging by SpliceAI Prediction. This variant is predicted to cause loss of normal protein function through protein truncation. Loss of function variants have been previously reported to be disease causing Bertoli-Avella AM, et al., 2015. For these reasons, this variant has been classified as Likely Pathogenic.

Labcorp Genetics (formerly Invitae), Labcorp
Classification: Likely pathogenic for Rienhoff syndrome. Last evaluated: 2020-06-04. Review status: criteria provided, single submitter. Criteria: Invitae Variant Classification Sherloc (09022015). Collection method: clinical testing. Allele origin: germline.
Comment: This sequence change affects an acceptor splice site in intron 2 of the TGFB3 gene. It is expected to disrupt RNA splicing and likely results in an absent or disrupted protein product. This variant is not present in population databases (ExAC no frequency). This variant has not been reported in the literature in individuals with TGFB3-related conditions. Algorithms developed to predict the effect of sequence changes on RNA splicing suggest that this variant may disrupt the consensus splice site, but this prediction has not been confirmed by published transcriptional studies. Donor and acceptor splice site variants typically lead to a loss of protein function (PMID: 16199547), and loss-of-function variants in TGFB3 are known to be pathogenic (PMID: 25835445, 26188975). In summary, the currently available evidence indicates that the variant is pathogenic, but additional data are needed to prove that conclusively. Therefore, this variant has been classified as Likely Pathogenic.

Literature cited by the submitters: PubMed 16199547 (cited by Labcorp Genetics (formerly Invitae), Labcorp); PubMed 25835445 (cited by Labcorp Genetics (formerly Invitae), Labcorp); PubMed 26188975 (cited by Labcorp Genetics (formerly Invitae), Labcorp).

NM_003239.5(TGFB3):c.517-2A>G

Gene: TGFB3 (transforming growth factor beta 3; minus strand). Cytogenetic location: 14q24.3.
Variant type: single nucleotide variant.
Coding change: c.517-2A>G on transcript NM_003239.5 (MANE Select); the canonical splice acceptor site of the intron before coding-DNA position 517, A replaced by G.
Molecular consequence: splice acceptor variant.
Genome position (GRCh38, 1-based): chr14:75,971,257, T>C on the plus strand (A>G on the coding strand, the complement: TGFB3 is on the minus strand). VCF-style: chr14-75971257-T-C. GRCh37 (hg19) VCF-style: chr14-76437600-T-C.
Other names: c.517-2A>G (NM_001329939.2, NM_001329938.2).
Identifiers: ClinVar variation 862608 (VCV000862608.47), dbSNP rs2035287906, ClinGen allele CA390469745.